The following is an entry in ClinVar:

NM_015275.3(WASHC4):c.2944C>T (p.Arg982Ter)

Gene: WASHC4 (WASH complex subunit 4; plus strand). Cytogenetic location: 12q23.3.
Variant type: single nucleotide variant.
Coding change: c.2944C>T on transcript NM_015275.3 (MANE Select); coding-DNA position 2944, C replaced by T.
Protein change: p.Arg982Ter; replaces arginine 982 with a stop codon.
Molecular consequence: nonsense.
Genome position (GRCh38, 1-based): chr12:105,160,032, C>T. VCF-style: chr12-105160032-C-T. GRCh37 (hg19) VCF-style: chr12-105553810-C-T.
Other names: c.2947C>T, p.Arg983Ter (NM_001293640.2); short protein forms R982*, R983*.
Identifiers: ClinVar variation 4845750 (VCV004845750.1).

ClinVar aggregate classification (germline): Likely pathogenic (1 of 4 stars; one submission).

Conditions:
Intellectual developmental disorder, autosomal recessive 43. Also called: Intellectual disability, autosomal recessive 43. Identifiers: Orphanet 88616, MedGen C4014386, MONDO:0014354, OMIM 615817.

gnomAD v4.1: 20 of 1,613,960 alleles (0.0012%); highest among the groups gnomAD compares: South Asian, 0.0033%; no homozygotes.

Submission:

First Genomix Gene Laboratory, Genetic Diagnostics Department
Classification: Likely pathogenic for Intellectual developmental disorder, autosomal recessive 43. Last evaluated: 2025-01-10. Review status: criteria provided, single submitter. Criteria: ACMG Guidelines, 2015. Collection method: clinical testing. Allele origin: germline. Inheritance: Autosomal recessive inheritance. Affected: no. Observed: 1 variant allele.